The following is an entry in ClinVar:

NM_000051.4(ATM):c.4339_4342del (p.Ser1447fs)

Gene: ATM (ATM serine/threonine kinase; plus strand). Cytogenetic location: 11q22.3.
Variant type: Deletion.
Coding change: c.4339_4342del on transcript NM_000051.4 (MANE Select); coding-DNA positions 4339 to 4342, 4 bases deleted (AGTT; older notation c.4339_4342delAGTT).
Protein change: p.Ser1447fs; shifts the reading frame from serine 1447.
Molecular consequence: frameshift variant.
Genome position (GRCh38, 1-based): chr11:108,289,704-108,289,707, AGTT deleted; deleting any 4 consecutive bases within chr11:108,289,701-108,289,707 gives the same sequence; the c. name uses the placement nearest the transcript's 3' end. VCF-style (leftmost placement, unchanged base first): chr11-108289700-TGTTA-T. GRCh37 (hg19) VCF-style: chr11-108160427-TGTTA-T.
Other names: c.4339_4342del, p.Ser1447fs (NM_001351834.2); c.4339_4342del (NM_000051.3); c.4339_4342delAGTT (NM_000051.3); short protein forms S1447fs.
Identifiers: ClinVar variation 824803 (VCV000824803.30), dbSNP rs1591663236, ClinGen allele CA915944417.

ClinVar aggregate classification (germline): Pathogenic/Likely pathogenic. Review status: criteria provided, multiple submitters, no conflicts (2 of 4 stars). 5 submissions from 5 submitters: Pathogenic (3); Likely pathogenic (1). 1 of the submissions does not count toward it. Last evaluated 2025-05-04.

Conditions:
Gastric cancer. Also called: Malignant tumor of stomach; Stomach cancer. Identifiers: MedGen C0024623, MeSH D013274, MONDO:0001056, OMIM 613659, HP:0012126.
Hereditary cancer-predisposing syndrome. Also called: Hereditary Cancer Syndrome; Tumor predisposition; Neoplastic Syndromes, Hereditary; Hereditary neoplastic syndrome. Identifiers: Orphanet 140162, MedGen C0027672, MeSH D009386, MONDO:0015356.
Ataxia-telangiectasia syndrome (AT). Also called: Ataxia-telangiectasia, complementation group E; LOUIS-BAR SYNDROME; Cerebello-oculocutaneous telangiectasia; Immunodeficiency with ataxia telangiectasia; Ataxia-telangiectasia, complementation group D; AT, COMPLEMENTATION GROUP C. Identifiers: Orphanet 100, MedGen C0004135, MONDO:0008840, OMIM 208900.
Familial cancer of breast. Also called: Hereditary breast cancer; BREAST CANCER, FAMILIAL; hereditary breast carcinoma. Identifiers: Orphanet 227535, MedGen C0346153, MONDO:0016419, OMIM 114480. Disease mechanism: loss of function.

Submissions (5):

Labcorp Genetics (formerly Invitae), Labcorp
Classification: Pathogenic for Ataxia-telangiectasia syndrome. Last evaluated: 2025-05-04. Review status: criteria provided, single submitter. Criteria: Invitae Variant Classification Sherloc (09022015). Collection method: clinical testing. Allele origin: germline.
Comment: This sequence change creates a premature translational stop signal (p.Ser1447Tyrfs*3) in the ATM gene. It is expected to result in an absent or disrupted protein product. Loss-of-function variants in ATM are known to be pathogenic (PMID: 23807571, 25614872). This variant is not present in population databases (gnomAD no frequency). This variant has not been reported in the literature in individuals affected with ATM-related conditions. ClinVar contains an entry for this variant (Variation ID: 824803). For these reasons, this variant has been classified as Pathogenic.

Fulgent Genetics
Classification: Likely pathogenic for Familial cancer of breast; Ataxia-telangiectasia syndrome. Last evaluated: 2024-05-24. Review status: criteria provided, single submitter. Criteria: ACMG Guidelines, 2015. Collection method: clinical testing. Allele origin: germline.

Ambry Genetics
Classification: Pathogenic for Hereditary cancer-predisposing syndrome. Last evaluated: 2024-05-17. Review status: criteria provided, single submitter. Criteria: Ambry Variant Classification Scheme 2023. Collection method: clinical testing. Allele origin: germline.
Comment: The c.4339_4342delAGTT pathogenic mutation, located in coding exon 28 of the ATM gene, results from a deletion of 4 nucleotides at nucleotide positions 4339 to 4342, causing a translational frameshift with a predicted alternate stop codon (p.S1447Yfs*3). This variant is considered to be rare based on population cohorts in the Genome Aggregation Database (gnomAD). This alteration is expected to result in loss of function by premature protein truncation or nonsense-mediated mRNA decay. As such, this alteration is interpreted as a disease-causing mutation.

Juno Genomics, Hangzhou Juno Genomics, Inc
Classification: Pathogenic for Familial cancer of breast; Ataxia-telangiectasia syndrome. Review status: criteria provided, single submitter. Criteria: ACMG Guidelines, 2015. Collection method: clinical testing. Allele origin: germline.
Comment: Absent from controls (or at extremely low frequency if recessive) in Genome Aggregation Database.;Null variant in a gene where loss of function (LOF) is a known mechanism of disease.;Novel missense change at an amino acid residue where a different missense change determined to be pathogenic has been seen before.

Laboratory for Genotyping Development, RIKEN
Classification: Pathogenic for Gastric cancer. Last evaluated: 2021-07-01. Review status: no assertion criteria provided. Collection method: research. Allele origin: germline. Not counted in ClinVar's aggregate classification.

Literature cited by the submitters: PubMed 23807571 (cited by Labcorp Genetics (formerly Invitae), Labcorp); PubMed 25614872 (cited by Labcorp Genetics (formerly Invitae), Labcorp); PubMed 36988593 (cited by Laboratory for Genotyping Development, RIKEN).